The following is an entry in ClinVar:

ClinVar aggregate classification (germline): Likely benign (1 of 4 stars; one submission).

Submission:

CeGaT Center for Human Genetics Tuebingen
Classification: Likely benign. Last evaluated: 2023-11-01. Review status: criteria provided, single submitter. Criteria: CeGaT Center For Human Genetics Tuebingen Variant Classification Criteria Version 2. Collection method: clinical testing. Allele origin: germline. Affected: yes. Observed: 1 variant allele.
Comment: MYCN: PM2:Supporting, BP4, BP7

NM_005378.6(MYCN):c.672T>G (p.Gly224=)

Gene: MYCN (MYCN proto-oncogene, bHLH transcription factor; plus strand). Cytogenetic location: 2p24.3.
Variant type: single nucleotide variant.
Coding change: c.672T>G on transcript NM_005378.6 (MANE Select); coding-DNA position 672, T replaced by G.
Protein change: p.Gly224=; no amino-acid change (glycine 224 retained).
Molecular consequence: synonymous variant. On other transcripts: 3 prime UTR variant (1), intron variant (1).
Genome position (GRCh38, 1-based): chr2:15,942,736, T>G. VCF-style: chr2-15942736-T-G. GRCh37 (hg19) VCF-style: chr2-16082858-T-G.
Other names: c.672T>G, p.Gly224= (NM_001293228.2); c.*607T>G (NM_001293233.2); c.157+1993T>G (NM_001293231.2).
Identifiers: ClinVar variation 2672801 (VCV002672801.23), dbSNP rs913319147, ClinGen allele CA43192133.